The following is an entry in ClinVar:

ClinVar aggregate classification (germline): Uncertain significance. Review status: criteria provided, multiple submitters, no conflicts (2 of 4 stars). 2 submissions from 2 submitters: Uncertain significance (2). Last evaluated 2022-06-07.

Conditions:
MHC class I deficiency. Identifiers: Orphanet 34592, MedGen C6024714, MONDO:0011476.

Allele frequency attached by ClinVar (database versions not stated): gnomAD 0.00003 and 0.00002; gnomAD exomes 0.00002 and 0.00004; TOPMed 0.00003; 1000 Genomes Project 0.00020; 1000 Genomes Project 30x 0.00031; ExAC 0.00002.

Submissions (2):

Labcorp Genetics (formerly Invitae), Labcorp
Classification: Uncertain significance for MHC class I deficiency 1. Last evaluated: 2022-06-07. Review status: criteria provided, single submitter. Criteria: Invitae Variant Classification Sherloc (09022015). Collection method: clinical testing. Allele origin: germline.
Comment: This sequence change replaces arginine, which is basic and polar, with tryptophan, which is neutral and slightly polar, at codon 226 of the TAP2 protein (p.Arg226Trp). This variant is present in population databases (rs536291251, gnomAD 0.005%). This variant has not been reported in the literature in individuals affected with TAP2-related conditions. ClinVar contains an entry for this variant (Variation ID: 828011). Algorithms developed to predict the effect of missense changes on protein structure and function are either unavailable or do not agree on the potential impact of this missense change (SIFT: "Deleterious"; PolyPhen-2: "Not Available"; Align-GVGD: "Class C0"). In summary, the available evidence is currently insufficient to determine the role of this variant in disease. Therefore, it has been classified as a Variant of Uncertain Significance.

Center for Genomics, Ann and Robert H. Lurie Children's Hospital of Chicago
Classification: Uncertain significance for MHC class I deficiency 1. Last evaluated: 2021-03-30. Review status: criteria provided, single submitter. Criteria: ACMG Guidelines, 2015. Collection method: clinical testing. Allele origin: germline.
Comment: TAP2 NM_000544.3 exon 4 p.Arg226Trp (c.676C>T): This variant has not been reported in the literature but is present in 0.004% (6/126136) of European alleles in the Genome Aggregation Database. Evolutionary conservation and computational predictive tools for this variant are unclear. In summary, data on this variant is insufficient for disease classification. Therefore, the clinical significance of this variant is uncertain.

NM_001290043.2(TAP2):c.676C>T (p.Arg226Trp)

Genes: TAP2 (transporter 2, ATP binding cassette subfamily B member; minus strand), LOC107648851 (meiotic recombination hotspot TAP2; plus strand). Cytogenetic location: 6p21.32.
Variant type: single nucleotide variant.
Coding change: c.676C>T on transcript NM_001290043.2 (MANE Select); coding-DNA position 676, C replaced by T.
Protein change: p.Arg226Trp; replaces arginine 226 with tryptophan.
Molecular consequence: missense variant.
Genome position (GRCh38, 1-based): chr6:32,835,706, G>A on the plus strand (C>T on the coding strand, the complement: TAP2 is on the minus strand). VCF-style: chr6-32835706-G-A. GRCh37 (hg19) VCF-style: chr6-32803483-G-A.
Other names: c.676C>T, p.Arg226Trp (NM_000544.3, NM_018833.3); short protein forms R226W.
Identifiers: ClinVar variation 828011 (VCV000828011.7), dbSNP rs536291251, ClinGen allele CA3746090.